The following is an entry in ClinVar:

ClinVar aggregate classification (germline): Benign/Likely benign. Review status: criteria provided, multiple submitters, no conflicts (2 of 4 stars). 4 submissions from 4 submitters: Benign (1); Likely benign (3). Last evaluated 2026-07-01.

Allele frequency attached by ClinVar (database versions not stated): TOPMed 0.00001; ExAC 0.00002; gnomAD exomes 0.00002; gnomAD 0.00003.
gnomAD v4.1: 23 of 1,613,754 alleles (0.0014%); highest among the groups gnomAD compares: African/African-American, 0.0067%; no homozygotes.

Submissions (4):

CeGaT Center for Human Genetics Tuebingen
Classification: Likely benign. Last evaluated: 2026-07-01. Review status: criteria provided, single submitter. Criteria: CeGaT Center For Human Genetics Tuebingen Variant Classification Criteria Version 2. Collection method: clinical testing. Allele origin: germline. Affected: yes. Observed: 1 variant allele.
Comment: ITPR1: BP4, BP7

Blueprint Genetics
Classification: Likely benign. Last evaluated: 2024-06-07. Review status: criteria provided, single submitter. Criteria: ACMG Guidelines, 2015. Collection method: clinical testing. Allele origin: germline.

Labcorp Genetics (formerly Invitae), Labcorp
Classification: Likely benign. Last evaluated: 2024-02-15. Review status: criteria provided, single submitter. Criteria: Invitae Variant Classification Sherloc (09022015). Collection method: clinical testing. Allele origin: germline.

Athena Diagnostics
Classification: Benign. Last evaluated: 2017-06-30. Review status: criteria provided, single submitter. Criteria: Athena Diagnostics Criteria. Collection method: clinical testing. Allele origin: germline.

NM_001378452.1(ITPR1):c.7854G>A (p.Thr2618=)

Genes: ITPR1 (inositol 1,4,5-trisphosphate receptor type 1; plus strand), LOC126806590 (MED14-independent group 3 enhancer GRCh37_chr3:4855759-4856958; plus strand). Cytogenetic location: 3p26.1.
Variant type: single nucleotide variant.
Coding change: c.7854G>A on transcript NM_001378452.1 (MANE Select); coding-DNA position 7854, G replaced by A.
Protein change: p.Thr2618=; no amino-acid change (threonine 2618 retained).
Molecular consequence: synonymous variant.
Genome position (GRCh38, 1-based): chr3:4,815,205, G>A. VCF-style: chr3-4815205-G-A. GRCh37 (hg19) VCF-style: chr3-4856889-G-A.
Other names: c.7710G>A, p.Thr2570= (NM_001099952.4); c.7809G>A, p.Thr2603= (NM_001168272.2); c.7665G>A, p.Thr2555= (NM_002222.7).
Identifiers: ClinVar variation 447601 (VCV000447601.11), dbSNP rs777975463, ClinGen allele CA2232983.
Genomic context (GRCh38, chr3:4,815,205, plus strand): 5'-TGACACTTTTGCTGACCTGAGGAGTGAGAAGCAGAAGAAGGAAGAGATCTTGAAGACCAC[G>A]TGCTTTATCTGTGGTGAGTGTCGCTGGCCAGCTCCAGCAAGGGCGTGAAGGCCCAGCGTG-3'
Protein context (NP_001365381.1, residues 2608-2628): KQKKEEILKT[Thr2618=]CFICGLERDK